The following is an entry in ClinVar:

ClinVar aggregate classification (germline): Uncertain significance (1 of 4 stars; one submission).

Conditions:
RASopathy. Also called: rasopathies; Noonan spectrum disorder. Identifiers: Orphanet 536391, MedGen C5555857, MONDO:0021060.

Submission:

Labcorp Genetics (formerly Invitae), Labcorp
Classification: Uncertain significance for RASopathy. Last evaluated: 2025-07-30. Review status: criteria provided, single submitter. Criteria: Invitae Variant Classification Sherloc (09022015). Collection method: clinical testing. Allele origin: germline.
Comment: This sequence change replaces arginine, which is basic and polar, with glycine, which is neutral and non-polar, at codon 480 of the PTPN11 protein (p.Arg480Gly). This variant is not present in population databases (gnomAD no frequency). This variant has not been reported in the literature in individuals affected with PTPN11-related conditions. Invitae Evidence Modeling of protein sequence and biophysical properties (such as structural, functional, and spatial information, amino acid conservation, physicochemical variation, residue mobility, and thermodynamic stability) has been performed for this missense variant. However, the output from this modeling did not meet the statistical confidence thresholds required to predict the impact of this variant on PTPN11 protein function. In summary, the available evidence is currently insufficient to determine the role of this variant in disease. Therefore, it has been classified as a Variant of Uncertain Significance.

NM_002834.5(PTPN11):c.1438A>G (p.Arg480Gly)

Gene: PTPN11 (protein tyrosine phosphatase non-receptor type 11; plus strand). Cytogenetic location: 12q24.13.
Variant type: single nucleotide variant.
Coding change: c.1438A>G on transcript NM_002834.5 (MANE Select); coding-DNA position 1438, A replaced by G.
Protein change: p.Arg480Gly; replaces arginine 480 with glycine.
Molecular consequence: missense variant.
Genome position (GRCh38, 1-based): chr12:112,488,501, A>G. VCF-style: chr12-112488501-A-G. GRCh37 (hg19) VCF-style: chr12-112926305-A-G.
Other names: c.1450A>G, p.Arg484Gly (NM_001330437.2); c.1435A>G, p.Arg479Gly (NM_001374625.1); short protein forms R479G, R480G, R484G.
Identifiers: ClinVar variation 4803097 (VCV004803097.1).